The following is an entry in ClinVar:

ClinVar aggregate classification (germline): Uncertain significance (1 of 4 stars; one submission).

Allele frequency attached by ClinVar (database versions not stated): gnomAD 0.00002; TOPMed 0.00003.
gnomAD v4.1: 13 of 1,208,354 alleles (0.0011%); highest among the groups gnomAD compares: African/African-American, 0.0017%; no homozygotes.

Submission:

Women's Health and Genetics/Laboratory Corporation of America, LabCorp
Classification: Uncertain significance. Last evaluated: 2024-11-08. Review status: criteria provided, single submitter. Criteria: LabCorp Variant Classification Summary - May 2015. Collection method: clinical testing. Allele origin: germline.
Comment: Variant summary: SYP c.109G>A (p.Ala37Thr) results in a non-conservative amino acid change located in the Marvel domain (IPR008253) of the encoded protein sequence. Three of five in-silico tools predict a damaging effect of the variant on protein function. The variant was absent in 174696 control chromosomes. The available data on variant occurrences in the general population are insufficient to allow any conclusion about variant significance. To our knowledge, no occurrence of c.109G>A in individuals affected with Intellectual Disability, X-Linked 96 and no experimental evidence demonstrating its impact on protein function have been reported. ClinVar contains an entry for this variant (Variation ID: 2637777). Based on the evidence outlined above, the variant was classified as uncertain significance.

NM_003179.3(SYP):c.109G>A (p.Ala37Thr)

Gene: SYP (synaptophysin; minus strand). Cytogenetic location: Xp11.23.
Variant type: single nucleotide variant.
Coding change: c.109G>A on transcript NM_003179.3 (MANE Select); coding-DNA position 109, G replaced by A.
Protein change: p.Ala37Thr; replaces alanine 37 with threonine.
Molecular consequence: missense variant.
Genome position (GRCh38, 1-based): chrX:49,197,833, C>T on the plus strand (G>A on the coding strand, the complement: SYP is on the minus strand). VCF-style: chrX-49197833-C-T. GRCh37 (hg19) VCF-style: chrX-49054292-C-T.
Other names: short protein forms A37T.
Identifiers: ClinVar variation 2637777 (VCV002637777.2), dbSNP rs781903947, ClinGen allele CA329132236.